The following is an entry in ClinVar:

ClinVar aggregate classification (germline): Likely benign (1 of 4 stars; one submission).

Submission:

CeGaT Center for Human Genetics Tuebingen
Classification: Likely benign. Last evaluated: 2026-04-01. Review status: criteria provided, single submitter. Criteria: CeGaT Center For Human Genetics Tuebingen Variant Classification Criteria Version 2. Collection method: clinical testing. Allele origin: germline. Affected: yes. Observed: 1 variant allele.
Comment: ASXL3: PM2:Supporting, BP4, BP7

NM_030632.3(ASXL3):c.3213T>A (p.Ala1071=)

Gene: ASXL3 (ASXL transcriptional regulator 3; plus strand). Cytogenetic location: 18q12.1.
Variant type: single nucleotide variant.
Coding change: c.3213T>A on transcript NM_030632.3 (MANE Select); coding-DNA position 3213, T replaced by A.
Protein change: p.Ala1071=; no amino-acid change (alanine 1071 retained).
Molecular consequence: synonymous variant.
Genome position (GRCh38, 1-based): chr18:33,743,061, T>A. VCF-style: chr18-33743061-T-A. GRCh37 (hg19) VCF-style: chr18-31323025-T-A.
Identifiers: ClinVar variation 4822343 (VCV004822343.4).